The following is an entry in ClinVar:

NM_000263.4(NAGLU):c.2T>C (p.Met1Thr)

Genes: NAGLU (N-acetyl-alpha-glucosaminidase; plus strand), LOC130060903 (ATAC-STARR-seq lymphoblastoid silent region 8533; plus strand). Cytogenetic location: 17q21.2.
Variant type: single nucleotide variant.
Coding change: c.2T>C on transcript NM_000263.4 (MANE Select); coding-DNA position 2, T replaced by C.
Protein change: p.Met1Thr; changes the start codon (methionine 1).
Molecular consequence: missense variant, initiator codon variant.
Genome position (GRCh38, 1-based): chr17:42,536,274, T>C. VCF-style: chr17-42536274-T-C. GRCh37 (hg19) VCF-style: chr17-40688292-T-C.
Other names: short protein forms M1T.
Identifiers: ClinVar variation 553224 (VCV000553224.7), dbSNP rs1013345784, ClinGen allele CA290771159.

ClinVar aggregate classification (germline): Pathogenic/Likely pathogenic. Review status: criteria provided, multiple submitters, no conflicts (2 of 4 stars). 3 submissions from 3 submitters: Pathogenic (1); Likely pathogenic (1). 1 of the submissions does not count toward it. Last evaluated 2024-05-22.

Conditions:
Mucopolysaccharidosis, MPS-III-B (MPS3B). Also called: SANFILIPPO SYNDROME B; MPS III B; MUCOPOLYSACCHARIDOSIS, TYPE IIIB; Mucopolysaccharidosis type IIIB (Sanfilippo B); MPS IIIB (Sanfilippo Syndrome Type B); N-ACETYL-ALPHA-D-GLUCOSAMINIDASE DEFICIENCY. Identifiers: Orphanet 79270, MedGen C0086648, MONDO:0009656, OMIM 252920.
Charcot-Marie-Tooth disease axonal type 2V. Also called: CHARCOT-MARIE-TOOTH NEUROPATHY, TYPE 2V; CHARCOT-MARIE-TOOTH DISEASE, AXONAL, AUTOSOMAL DOMINANT, TYPE 2V. Identifiers: Orphanet 447964, MedGen C5569050, MONDO:0014665, OMIM 616491.

Allele frequency attached by ClinVar (database versions not stated): TOPMed below 0.00001.

Submissions (3):

Fulgent Genetics
Classification: Likely pathogenic for Mucopolysaccharidosis, MPS-III-B; Charcot-Marie-Tooth disease axonal type 2V. Last evaluated: 2024-05-22. Review status: criteria provided, single submitter. Criteria: ACMG Guidelines, 2015. Collection method: clinical testing. Allele origin: germline.

Labcorp Genetics (formerly Invitae), Labcorp
Classification: Pathogenic for Charcot-Marie-Tooth disease axonal type 2V; Mucopolysaccharidosis, MPS-III-B. Last evaluated: 2023-09-10. Review status: criteria provided, single submitter. Criteria: Invitae Variant Classification Sherloc (09022015). Collection method: clinical testing. Allele origin: germline.
Comment: This variant is not present in population databases (gnomAD no frequency). For these reasons, this variant has been classified as Pathogenic. ClinVar contains an entry for this variant (Variation ID: 553224). Disruption of the initiator codon has been observed in individual(s) with mucopolysaccharidosis type III (PMID: 9950362, 18218046). This sequence change affects the initiator methionine of the NAGLU mRNA. The next in-frame methionine is located at codon 157.

Counsyl
Classification: Likely pathogenic for Mucopolysaccharidosis, MPS-III-B. Last evaluated: 2017-08-08. Review status: no assertion criteria provided. Collection method: clinical testing. Allele origin: unknown. Not counted in ClinVar's aggregate classification.

Literature cited by the submitters: PubMed 9950362 (cited by Labcorp Genetics (formerly Invitae), Labcorp); PubMed 18218046 (cited by Labcorp Genetics (formerly Invitae), Labcorp).